The following is an entry in ClinVar:

NM_001366385.1(CARD14):c.131_132dup (p.Gln45fs)

Gene: CARD14 (caspase recruitment domain family member 14; plus strand). Cytogenetic location: 17q25.3.
Variant type: Microsatellite.
Coding change: c.131_132dup on transcript NM_001366385.1 (MANE Select); coding-DNA positions 131 to 132, 2 bases duplicated (GC; older notation c.131_132dupGC).
Protein change: p.Gln45fs; shifts the reading frame from glutamine 45.
Molecular consequence: frameshift variant. On other transcripts: non-coding transcript variant (1).
Genome position (GRCh38, 1-based): chr17:80,181,569-80,181,570, GC duplicated; duplicating any 2 consecutive bases within chr17:80,181,567-80,181,570 gives the same sequence; the c. name uses the placement nearest the transcript's 3' end. VCF-style (leftmost placement, unchanged base first): chr17-80181566-T-TGC. GRCh37 (hg19) VCF-style: chr17-78155365-T-TGC.
Other names: c.131_132dup, p.Gln45fs (NM_001257970.1, NM_024110.4); short protein forms Q45fs.
Identifiers: ClinVar variation 2945536 (VCV002945536.4), dbSNP rs2510555244, ClinGen allele CA2640299768.

ClinVar aggregate classification (germline): Uncertain significance. Review status: criteria provided, multiple submitters, no conflicts (2 of 4 stars). 2 submissions from 2 submitters: Uncertain significance (2). Last evaluated 2024-02-09.

Conditions:
Psoriasis 2. Identifiers: MedGen C1864497, MONDO:0011269, OMIM 602723.
Pityriasis rubra pilaris (PRP). Also called: Pityriasis rubra pilaris--familial type. Identifiers: Orphanet 2897, MedGen C0032027, MONDO:0100017, OMIM 173200, MONDO:0008251.

Submissions (2):

GeneDx
Classification: Uncertain significance. Last evaluated: 2024-02-09. Review status: criteria provided, single submitter. Criteria: GeneDx Variant Classification Process June 2021. Collection method: clinical testing. Allele origin: germline. Affected: yes.
Comment: Not observed at significant frequency in large population cohorts (gnomAD); Frameshift variant predicted to result in protein truncation or nonsense mediated decay in a gene or region of a gene for which loss of function is not a well-established mechanism of disease; Has not been previously published as pathogenic or benign to our knowledge

Labcorp Genetics (formerly Invitae), Labcorp
Classification: Uncertain significance for Pityriasis rubra pilaris; Psoriasis 2. Last evaluated: 2023-03-20. Review status: criteria provided, single submitter. Criteria: Invitae Variant Classification Sherloc (09022015). Collection method: clinical testing. Allele origin: germline.
Comment: This variant has not been reported in the literature in individuals affected with CARD14-related conditions. In summary, the available evidence is currently insufficient to determine the role of this variant in disease. Therefore, it has been classified as a Variant of Uncertain Significance. This variant is not present in population databases (gnomAD no frequency). This sequence change creates a premature translational stop signal (p.Gln45Alafs*34) in the CARD14 gene. It is expected to result in an absent or disrupted protein product. However, the current clinical and genetic evidence is not sufficient to establish whether loss-of-function variants in CARD14 cause disease.